The following is an entry in ClinVar:

NM_002734.5(PRKAR1A):c.634G>A (p.Ala212Thr)

Gene: PRKAR1A (protein kinase cAMP-dependent type I regulatory subunit alpha; plus strand). Cytogenetic location: 17q24.2.
Variant type: single nucleotide variant.
Coding change: c.634G>A on transcript NM_002734.5 (MANE Select); coding-DNA position 634, G replaced by A.
Protein change: p.Ala212Thr; replaces alanine 212 with threonine.
Molecular consequence: missense variant.
Genome position (GRCh38, 1-based): chr17:68,525,838, G>A. VCF-style: chr17-68525838-G-A. GRCh37 (hg19) VCF-style: chr17-66521979-G-A.
Other names: c.634G>A, p.Ala212Thr (NM_001276289.2, NM_001276290.1, NM_001278433.2 and 4 more transcripts); short protein forms A212T.
Identifiers: ClinVar variation 3773816 (VCV003773816.1).

ClinVar aggregate classification (germline): Likely pathogenic (1 of 4 stars; one submission).

Conditions:
PRKAR1A-related disorder. Also called: PRKAR1A-related condition.

Submission:

Rady Children's Institute for Genomic Medicine, Rady Children's Hospital San Diego
Classification: Likely pathogenic for PRKAR1A-related disorders. Last evaluated: 2024-01-30. Review status: criteria provided, single submitter. Criteria: ACMG Guidelines, 2015. Collection method: clinical testing. Allele origin: germline. Affected: yes.
Comment: The c.634G>A (p.Ala212Thr) variant affects a highly conserved amino acid and is predicted by multiple in silico tools to have a deleterious effect on protein function. This variant has not been previously reported or functionally characterized in the literature to our knowledge. Missense variation at nearby amino acid residues (p.Ala213Thr) have been previously reported in individuals with acrodysostosis (PMID: 23425300). The c.634G>A (p.Ala212Thr) variant is absent from the gnomAD v4 population database and thus is presumed to be rare. Analysis of the parental samples was negative for the variant, indicating this variant likely occurred as a de novo event. Based on the available evidence, c.634G>A (p.Ala212Thr) is classified as Likely Pathogenic.